The following is an entry in ClinVar:

NM_001130009.3(GEN1):c.2248G>C (p.Val750Leu)

Gene: GEN1 (GEN1 structure-specific endonuclease; plus strand). Cytogenetic location: 2p24.2.
Variant type: single nucleotide variant.
Coding change: c.2248G>C on transcript NM_001130009.3 (MANE Select); coding-DNA position 2248, G replaced by C.
Protein change: p.Val750Leu; replaces valine 750 with leucine.
Molecular consequence: missense variant.
Genome position (GRCh38, 1-based): chr2:17,781,460, G>C. VCF-style: chr2-17781460-G-C. GRCh37 (hg19) VCF-style: chr2-17962727-G-C.
Other names: c.2248G>C, p.Val750Leu (NM_182625.5); short protein forms V750L.
Identifiers: ClinVar variation 5022312 (VCV005022312.1).

ClinVar aggregate classification (germline): Uncertain significance (1 of 4 stars; one submission).

gnomAD v4.1: 1 of 1,613,508 alleles (0.000062%); highest among the groups gnomAD compares: African/African-American, 0.0013%; no homozygotes.

Submission:

Ambry Genetics
Classification: Uncertain significance. Last evaluated: 2026-07-23. Review status: criteria provided, single submitter. Criteria: Ambry Variant Classification Scheme 2023. Collection method: clinical testing. Allele origin: germline.
Comment: The p.V750L variant (also known as c.2248G>C), located in coding exon 13 of the GEN1 gene, results from a G to C substitution at nucleotide position 2248. The valine at codon 750 is replaced by leucine, an amino acid with highly similar properties. This amino acid position is conserved. In addition, this alteration is predicted to be tolerated by in silico analysis. Based on the available evidence, the clinical significance of this variant remains unclear.